The following is an entry in ClinVar:

NM_001282225.2(ADA2):c.363G>A (p.Met121Ile)

Gene: ADA2 (adenosine deaminase 2; minus strand). Cytogenetic location: 22q11.1.
Variant type: single nucleotide variant.
Coding change: c.363G>A on transcript NM_001282225.2 (MANE Select); coding-DNA position 363, G replaced by A.
Protein change: p.Met121Ile; replaces methionine 121 with isoleucine.
Molecular consequence: missense variant. On other transcripts: initiator codon variant (1).
Genome position (GRCh38, 1-based): chr22:17,207,250, C>T on the plus strand (G>A on the coding strand, the complement: ADA2 is on the minus strand). VCF-style: chr22-17207250-C-T. GRCh37 (hg19) VCF-style: chr22-17688140-C-T.
Other names: c.363G>A, p.Met121Ile (NM_001282226.2); c.237G>A, p.Met79Ile (NM_001282227.2, NM_001282228.2); c.3G>A, p.Met1Ile (NM_001282229.2); short protein forms M1I, M121I, M79I.
Identifiers: ClinVar variation 1353818 (VCV001353818.5), dbSNP rs756689332, ClinGen allele CA10088253.

ClinVar aggregate classification (germline): Uncertain significance. Review status: criteria provided, multiple submitters, no conflicts (2 of 4 stars). 2 submissions from 2 submitters: Uncertain significance (2). Last evaluated 2022-09-01.

Conditions:
Deficiency of adenosine deaminase 2. Also called: Polyarteritis nodosa, childhoood-onset; Adenosine Deaminase 2 Deficiency; VASCULITIS, AUTOINFLAMMATION, IMMUNODEFICIENCY, AND HEMATOLOGIC DEFECTS SYNDROME. Identifiers: Orphanet 404553, MedGen C3887654, MONDO:0014306, OMIM 615688, MONDO:0100317.
Sneddon syndrome (SNDNS). Also called: LIVEDO RETICULARIS AND CEREBROVASCULAR ACCIDENTS; Idiopathic livedo reticularis with systemic involvement. Identifiers: Orphanet 820, MedGen C0282492, MONDO:0008436, OMIM 182410.

Allele frequency attached by ClinVar (database versions not stated): gnomAD 0.00001; gnomAD exomes 0.00004 and 0.00008; TOPMed 0.00004; ExAC 0.00008.

Submissions (2):

Labcorp Genetics (formerly Invitae), Labcorp
Classification: Uncertain significance for Deficiency of adenosine deaminase 2. Last evaluated: 2022-09-01. Review status: criteria provided, single submitter. Criteria: Invitae Variant Classification Sherloc (09022015). Collection method: clinical testing. Allele origin: germline.
Comment: This sequence change replaces methionine, which is neutral and non-polar, with isoleucine, which is neutral and non-polar, at codon 121 of the ADA2 protein (p.Met121Ile). This variant is present in population databases (rs756689332, gnomAD 0.06%). This variant has not been reported in the literature in individuals affected with ADA2-related conditions. ClinVar contains an entry for this variant (Variation ID: 1353818). Algorithms developed to predict the effect of missense changes on protein structure and function (SIFT, PolyPhen-2, Align-GVGD) all suggest that this variant is likely to be tolerated. Algorithms developed to predict the effect of sequence changes on RNA splicing suggest that this variant may create or strengthen a splice site. In summary, the available evidence is currently insufficient to determine the role of this variant in disease. Therefore, it has been classified as a Variant of Uncertain Significance.

Fulgent Genetics
Classification: Uncertain significance for Sneddon syndrome; Deficiency of adenosine deaminase 2. Last evaluated: 2022-04-20. Review status: criteria provided, single submitter. Criteria: ACMG Guidelines, 2015. Collection method: clinical testing. Allele origin: unknown.